The following is an entry in ClinVar:

NM_012448.4(STAT5B):c.431T>A (p.Ile144Asn)

Gene: STAT5B (signal transducer and activator of transcription 5B; minus strand). Cytogenetic location: 17q21.2.
Variant type: single nucleotide variant.
Coding change: c.431T>A on transcript NM_012448.4 (MANE Select); coding-DNA position 431, T replaced by A.
Protein change: p.Ile144Asn; replaces isoleucine 144 with asparagine.
Molecular consequence: missense variant.
Genome position (GRCh38, 1-based): chr17:42,223,501, A>T on the plus strand (T>A on the coding strand, the complement: STAT5B is on the minus strand). VCF-style: chr17-42223501-A-T. GRCh37 (hg19) VCF-style: chr17-40375519-A-T.
Other names: short protein forms I144N.
Identifiers: ClinVar variation 2010113 (VCV002010113.4), dbSNP rs2080247724, ClinGen allele CA399589426.
Genomic context (GRCh38, chr17:42,223,501, plus strand): 5'-TTTTTTAACTCATTCTCTGTGTCCTGCGTGACCAGTCGCAGCTCCTCAAACGTCTGGTTG[A>T]TCTGGAGGTGTTTCTGGGACATGGCATCAGCAAGGCTTCCAGCTGGAGAGCTACCCTGGG-3'
Protein context (NP_036580.2, residues 134-154): ADAMSQKHLQ[Ile144Asn]NQTFEELRLV

ClinVar aggregate classification (germline): Uncertain significance (1 of 4 stars; one submission).

Conditions:
Growth hormone insensitivity with immune dysregulation 1, autosomal recessive. Also called: Laron syndrome with immunodeficiency; LARON SYNDROME DUE TO POSTRECEPTOR DEFECT; GROWTH HORMONE INSENSITIVITY SYNDROME WITH IMMUNE DYSREGULATION 1, AUTOSOMAL RECESSIVE; GROWTH HORMONE INSENSITIVITY DUE TO POSTRECEPTOR DEFECT. Identifiers: Orphanet 220465, MedGen C5435698, MONDO:0100211, OMIM 245590.

Allele frequency attached by ClinVar (database versions not stated): gnomAD exomes below 0.00001; gnomAD 0.00001.
gnomAD v4.1: 3 of 1,613,960 alleles (0.00019%); highest among the groups gnomAD compares: Admixed American, 0.0017%; no homozygotes.

Submission:

Labcorp Genetics (formerly Invitae), Labcorp
Classification: Uncertain significance for Growth hormone insensitivity with immune dysregulation 1, autosomal recessive. Last evaluated: 2024-04-08. Review status: criteria provided, single submitter. Criteria: Invitae Variant Classification Sherloc (09022015). Collection method: clinical testing. Allele origin: germline.
Comment: This sequence change replaces isoleucine, which is neutral and non-polar, with asparagine, which is neutral and polar, at codon 144 of the STAT5B protein (p.Ile144Asn). This variant is not present in population databases (gnomAD no frequency). This variant has not been reported in the literature in individuals affected with STAT5B-related conditions. ClinVar contains an entry for this variant (Variation ID: 2010113). Advanced modeling of protein sequence and biophysical properties (such as structural, functional, and spatial information, amino acid conservation, physicochemical variation, residue mobility, and thermodynamic stability) performed at Invitae indicates that this missense variant is not expected to disrupt STAT5B protein function with a negative predictive value of 80%. In summary, the available evidence is currently insufficient to determine the role of this variant in disease. Therefore, it has been classified as a Variant of Uncertain Significance.